The following is an entry in ClinVar:

ClinVar aggregate classification (germline): Uncertain significance (1 of 4 stars; one submission).

Conditions:
TPRN-related disorder. Also called: TPRN-related condition.

Submission:

PreventionGenetics, part of Exact Sciences
Classification: Uncertain significance for TPRN-related condition. Last evaluated: 2025-10-06. Review status: criteria provided, single submitter. Criteria: ACMG Guidelines, 2015. Collection method: clinical testing. Allele origin: germline.
Comment: The TPRN c.1450C>G variant is predicted to result in the amino acid substitution p.Pro484Ala. To our knowledge, this variant has not been reported in the literature or in a large population database (gnomAD), indicating this variant is rare. At this time, the clinical significance of this variant is uncertain due to the absence of conclusive functional and genetic evidence.

NM_001128228.3(TPRN):c.1450C>G (p.Pro484Ala)

Gene: TPRN (taperin; minus strand). Cytogenetic location: 9q34.3.
Variant type: single nucleotide variant.
Coding change: c.1450C>G on transcript NM_001128228.3 (MANE Select); coding-DNA position 1450, C replaced by G.
Protein change: p.Pro484Ala; replaces proline 484 with alanine.
Molecular consequence: missense variant.
Genome position (GRCh38, 1-based): chr9:137,199,262, G>C on the plus strand (C>G on the coding strand, the complement: TPRN is on the minus strand). VCF-style: chr9-137199262-G-C. GRCh37 (hg19) VCF-style: chr9-140093714-G-C.
Other names: short protein forms P484A.
Identifiers: ClinVar variation 4977549 (VCV004977549.1).